The following continues an entry in ClinVar:

NM_000038.6(APC):c.7415C>T (p.Ala2472Val)

Gene: APC. ClinVar aggregate classification (germline): Conflicting classifications of pathogenicity. Uncertain significance (7); Benign (1); Likely benign (7).

Submissions 14 to 17 of 17:

ARUP Laboratories, Molecular Genetics and Genomics, ARUP Laboratories
Classification: Uncertain significance. Last evaluated: 2018-03-29. Review status: criteria provided, single submitter. Criteria: ARUP Molecular Germline Variant Investigation Process. Collection method: clinical testing. Allele origin: germline.
Comment: The APC c.7415C>T; p.Ala2472Val variant (rs200399245) is reported in the medical literature in two individuals with breast cancer (Maxwell 2016) and in one individual with colorectal cancer (Yurgelun 2016). However, the variant is also described in individuals not selected for a personal or family history of cancer (Johnston 2012, Rodriguez-Flores 2014). The variant is reported in the ClinVar database (Variation ID: 41513). The variant is also listed in the Genome Aggregation Database in 9/276906 alleles. The alanine at this position is weakly conserved across species and computational algorithms (PolyPhen-2, SIFT) predict this variant is tolerated. Considering available information, there is insufficient evidence to classify this variant with certainty. However, the vast majority of pathogenic APC variants are truncating nonsense or frameshift variants (see InSiGHt, Kerr 2013). Pathogenic APC variants are causative for adenomatous polyposis coli (MIM: 175100). References: Link to InSiGHt: Johnston JJ et al. Secondary variants in individuals undergoing exome sequencing: screening of 572 individuals identifies high-penetrance mutations in cancer-susceptibility genes. Am J Hum Genet. 2012 Jul 13;91(1):97-108. Kerr SE et al. APC germline mutations in individuals being evaluated for familial adenomatous polyposis: a review of the Mayo Clinic experience with 1591 consecutive tests. J Mol Diagn. 2013 Jan;15(1):31-43. Maxwell KN et al. Evaluation of ACMG-Guideline-Based Variant Classification of Cancer Susceptibility and Non-Cancer-Associated Genes in Families Affected by Breast Cancer. Am J Hum Genet. 2016 May 5;98(5):801-817. Rodriguez-Flores JL et al. Exome sequencing identifies potential risk variants for Mendelian disorders at high prevalence in Qatar. Hum Mutat. 2014 Jan;35(1):105-16. Yurgelun MB et al. Cancer Susceptibility Gene Mutations in Individuals With Colorectal Cancer. J Clin Oncol. 2017 Apr 1;35(10):1086-1095.

Genetic Services Laboratory, University of Chicago
Classification: Uncertain significance. Last evaluated: 2016-08-16. Review status: criteria provided, single submitter. Criteria: ACMG Guidelines, 2015. Collection method: clinical testing. Allele origin: germline. Affected: no.

Counsyl
Classification: Uncertain significance for Familial adenomatous polyposis 1. Last evaluated: 2016-05-20. Review status: no assertion criteria provided. Collection method: clinical testing. Allele origin: unknown. Not counted in ClinVar's aggregate classification.

Biesecker Lab/Clinical Genomics Section, National Institutes of Health
Classification: Uncertain significance. Last evaluated: 2012-07-13. Review status: no assertion criteria provided. Collection method: research. Allele origin: germline. Affected: no. Observed: 1 variant allele. Study: ClinSeq. Not counted in ClinVar's aggregate classification.
ClinVar note: Converted during submission from variant of unknown significance to Uncertain significance.

Literature cited by the submitters: PubMed 27600092 (cited by Quest Diagnostics Nichols Institute San Juan Capistrano and Women's Health and Genetics/Laboratory Corporation of America, LabCorp); PubMed 25186627 (cited by 3 submitters); PubMed 27153395 (cited by 3 submitters); PubMed 35534704 (cited by Quest Diagnostics Nichols Institute San Juan Capistrano and Women's Health and Genetics/Laboratory Corporation of America, LabCorp); PubMed 28135145 (cited by 3 submitters); PubMed 24123366 (cited by 4 submitters); PubMed 30122538 (cited by Quest Diagnostics Nichols Institute San Juan Capistrano).